The following is an entry in ClinVar:

ClinVar aggregate classification (germline): Uncertain significance (1 of 4 stars; one submission).

Conditions:
Familial thoracic aortic aneurysm and aortic dissection (TAAD). Also called: Thoracic aortic aneurysms and dissections. Identifiers: Orphanet 91387, MedGen C4707243, MONDO:0019625.

Submission:

Ambry Genetics
Classification: Uncertain significance for Familial thoracic aortic aneurysm and aortic dissection. Last evaluated: 2025-12-11. Review status: criteria provided, single submitter. Criteria: Ambry Variant Classification Scheme 2023. Collection method: clinical testing. Allele origin: germline.
Comment: The p.S62F variant (also known as c.185C>T), located in coding exon 2 of the SLC2A10 gene, results from a C to T substitution at nucleotide position 185. The serine at codon 62 is replaced by phenylalanine, an amino acid with highly dissimilar properties. This amino acid position is conserved. In addition, this alteration is predicted to be deleterious by in silico analysis. Based on the available evidence, the clinical significance of this variant remains unclear.

NM_030777.4(SLC2A10):c.185C>T (p.Ser62Phe)

Gene: SLC2A10 (solute carrier family 2 member 10; plus strand). Cytogenetic location: 20q13.12.
Variant type: single nucleotide variant.
Coding change: c.185C>T on transcript NM_030777.4 (MANE Select); coding-DNA position 185, C replaced by T.
Protein change: p.Ser62Phe; replaces serine 62 with phenylalanine.
Molecular consequence: missense variant.
Genome position (GRCh38, 1-based): chr20:46,725,221, C>T. VCF-style: chr20-46725221-C-T. GRCh37 (hg19) VCF-style: chr20-45353860-C-T.
Other names: short protein forms S62F.
Identifiers: ClinVar variation 4635556 (VCV004635556.1).
Genomic context (GRCh38, chr20:46,725,221, plus strand): 5'-TAAGCTGCTTGGAGCAGGAGTTCCTGGTGGGCAGCCTGCTCCTGGGGGCTCTCCTCGCCT[C>T]CCTGGTTGGTGGCTTCCTCATTGACTGCTATGGCAGGAAGCAAGCCATCCTCGGGAGCAA-3'
Protein context (NP_110404.1, residues 52-72): GSLLLGALLA[Ser62Phe]LVGGFLIDCY